The following is an entry in ClinVar:

NM_182914.3(SYNE2):c.17713G>A (p.Val5905Met)

Gene: SYNE2 (spectrin repeat containing nuclear envelope protein 2; plus strand). Cytogenetic location: 14q23.2.
Variant type: single nucleotide variant.
Coding change: c.17713G>A on transcript NM_182914.3 (MANE Select); coding-DNA position 17713, G replaced by A.
Protein change: p.Val5905Met; replaces valine 5905 with methionine.
Molecular consequence: missense variant.
Genome position (GRCh38, 1-based): chr14:64,188,550, G>A. VCF-style: chr14-64188550-G-A. GRCh37 (hg19) VCF-style: chr14-64655268-G-A.
Other names: c.17713G>A, p.Val5905Met (NM_015180.6); short protein forms V5905M.
Identifiers: ClinVar variation 470953 (VCV000470953.12), dbSNP rs778679729, ClinGen allele CA7223812.

ClinVar aggregate classification (germline): Uncertain significance. Review status: criteria provided, multiple submitters, no conflicts (2 of 4 stars). 3 submissions from 3 submitters: Uncertain significance (3). Last evaluated 2025-01-09.

Conditions:
Emery-Dreifuss muscular dystrophy 5, autosomal dominant (EDMD5). Also called: EMERY-DREIFUSS MUSCULAR DYSTROPHY 5. Identifiers: Orphanet 261, MedGen C2751805, MONDO:0013072, OMIM 612999.

Allele frequency attached by ClinVar (database versions not stated): ExAC 0.00002; gnomAD 0.00003 and 0.00004; TOPMed 0.00004; gnomAD exomes 0.00005.
gnomAD v4.1: 210 of 1,614,030 alleles (0.013%); highest among the groups gnomAD compares: Non-Finnish European, 0.017%; no homozygotes.

Submissions (3):

Ambry Genetics
Classification: Uncertain significance. Last evaluated: 2025-01-09. Review status: criteria provided, single submitter. Criteria: Ambry Variant Classification Scheme 2023. Collection method: clinical testing. Allele origin: germline.

Labcorp Genetics (formerly Invitae), Labcorp
Classification: Uncertain significance for Emery-Dreifuss muscular dystrophy 5, autosomal dominant. Last evaluated: 2022-06-20. Review status: criteria provided, single submitter. Criteria: Invitae Variant Classification Sherloc (09022015). Collection method: clinical testing. Allele origin: germline.
Comment: In summary, the available evidence is currently insufficient to determine the role of this variant in disease. Therefore, it has been classified as a Variant of Uncertain Significance. Algorithms developed to predict the effect of missense changes on protein structure and function are either unavailable or do not agree on the potential impact of this missense change (SIFT: "Deleterious"; PolyPhen-2: "Benign"; Align-GVGD: "Class C0"). ClinVar contains an entry for this variant (Variation ID: 470953). This variant has not been reported in the literature in individuals affected with SYNE2-related conditions. This variant is present in population databases (rs778679729, gnomAD 0.01%). This sequence change replaces valine, which is neutral and non-polar, with methionine, which is neutral and non-polar, at codon 5905 of the SYNE2 protein (p.Val5905Met).

Revvity Omics, Revvity
Classification: Uncertain significance for Emery-Dreifuss muscular dystrophy 5, autosomal dominant. Last evaluated: 2019-02-26. Review status: criteria provided, single submitter. Criteria: ACMG Guidelines, 2015. Collection method: clinical testing. Allele origin: germline.